The following is an entry in ClinVar:

NM_015202.5(KATNIP):c.3384del (p.Asp1129fs)

Gene: KATNIP (katanin interacting protein; plus strand). Cytogenetic location: 16p12.1.
Variant type: Deletion.
Coding change: c.3384del on transcript NM_015202.5 (MANE Select); coding-DNA position 3384, one base deleted (C; older notation c.3384delC).
Protein change: p.Asp1129fs; shifts the reading frame from aspartic acid 1129.
Molecular consequence: frameshift variant.
Genome position (GRCh38, 1-based): chr16:27,751,756, C deleted; the last of 2 consecutive C bases (chr16:27,751,755-27,751,756); deleting either gives the same sequence. VCF-style (leftmost placement, unchanged base first): chr16-27751754-AC-A. GRCh37 (hg19) VCF-style: chr16-27763075-AC-A.
Other names: p.Asp1129Metfs*31; short protein forms D1129fs.
Identifiers: ClinVar variation 4683121 (VCV004683121.1).

ClinVar aggregate classification (germline): Likely pathogenic (1 of 4 stars; one submission).

Conditions:
Joubert syndrome 26 (JBTS26). Identifiers: Orphanet 475, MedGen C4084843, MONDO:0014771, OMIM 616784.

Submission:

Department of Molecular Genetics, Istishari Arab Hospital
Classification: Likely pathogenic for Joubert syndrome 26. Last evaluated: 2025-12-30. Review status: criteria provided, single submitter. Criteria: ACMG Guidelines, 2015. Collection method: clinical testing. Allele origin: germline. Inheritance: Autosomal recessive inheritance. Affected: yes.
Comment: The KATNIP variant c.3384del, p.Asp1129Metfs*31 creates a shift in the reading frame at position 1129, introducing a premature stop codon 31 amino acids downstream. This is predicted to result in a loss or disruption of normal protein function through non-sense mediated decay (NMD) or protein truncation. This variant is observed with very low frequency (<0.001) in the gnomAD v4.1.0 dataset. This variant was not previously reported in the literature. It is classified as likely pathogenic according to the recommendations of ACMG/AMP/ClinGen SVI guidelines.